The following is an entry in ClinVar:

ClinVar aggregate classification (germline): Uncertain significance (1 of 4 stars; one submission).

Conditions:
Early-infantile DEE. Also called: Early infantile epileptic encephalopathy; Ohtahara syndrome; Early infantile epileptic encephalopathy with suppression bursts. Identifiers: Orphanet 1934, MedGen C0393706, MONDO:0800491.

Allele frequency attached by ClinVar (database versions not stated): TOPMed 0.00001; ESP Exome Variant Server 0.00008.
gnomAD v4.1: 9 of 1,611,770 alleles (0.00056%); highest among the groups gnomAD compares: Non-Finnish European, 0.00068%; no homozygotes.

Submission:

Labcorp Genetics (formerly Invitae), Labcorp
Classification: Uncertain significance for Early-infantile DEE. Last evaluated: 2024-06-03. Review status: criteria provided, single submitter. Criteria: Invitae Variant Classification Sherloc (09022015). Collection method: clinical testing. Allele origin: germline.
Comment: This sequence change replaces proline, which is neutral and non-polar, with glutamine, which is neutral and polar, at codon 577 of the SCN8A protein (p.Pro577Gln). The frequency data for this variant in the population databases is considered unreliable, as metrics indicate poor data quality at this position in the gnomAD database. This variant has not been reported in the literature in individuals affected with SCN8A-related conditions. ClinVar contains an entry for this variant (Variation ID: 660352). Advanced modeling of protein sequence and biophysical properties (such as structural, functional, and spatial information, amino acid conservation, physicochemical variation, residue mobility, and thermodynamic stability) performed at Invitae indicates that this missense variant is not expected to disrupt SCN8A protein function with a negative predictive value of 95%. In summary, the available evidence is currently insufficient to determine the role of this variant in disease. Therefore, it has been classified as a Variant of Uncertain Significance.

NM_001330260.2(SCN8A):c.1730C>A (p.Pro577Gln)

Gene: SCN8A (sodium voltage-gated channel alpha subunit 8; plus strand). Cytogenetic location: 12q13.13.
Variant type: single nucleotide variant.
Coding change: c.1730C>A on transcript NM_001330260.2 (MANE Select); coding-DNA position 1730, C replaced by A.
Protein change: p.Pro577Gln; replaces proline 577 with glutamine.
Molecular consequence: missense variant.
Genome position (GRCh38, 1-based): chr12:51,721,640, C>A. VCF-style: chr12-51721640-C-A. GRCh37 (hg19) VCF-style: chr12-52115424-C-A.
Other names: c.1730C>A, p.Pro577Gln (NM_001177984.3, NM_001369788.1, NM_014191.4); short protein forms P577Q.
Identifiers: ClinVar variation 660352 (VCV000660352.9), dbSNP rs373820887, ClinGen allele CA6571317.